The following is an entry in ClinVar:

ClinVar aggregate classification (germline): Uncertain significance. Review status: criteria provided, multiple submitters, no conflicts (2 of 4 stars). 2 submissions from 2 submitters: Uncertain significance (2). Last evaluated 2025-08-27.

Conditions:
Inborn genetic diseases. Identifiers: MedGen C0950123, MeSH D030342.
Immunodeficiency-centromeric instability-facial anomalies syndrome 2 (ICF2). Identifiers: Orphanet 2268, MedGen C3279748, MONDO:0013553, OMIM 614069.

Allele frequency attached by ClinVar (database versions not stated): gnomAD 0.00015 and 0.00016; 1000 Genomes Project 30x 0.00016; ExAC 0.00017; 1000 Genomes Project 0.00020; TOPMed 0.00011; ESP Exome Variant Server 0.00031; gnomAD exomes 0.00014 and 0.00025.

Submissions (2):

Ambry Genetics
Classification: Uncertain significance for Inborn genetic diseases. Last evaluated: 2025-08-27. Review status: criteria provided, single submitter. Criteria: Ambry Variant Classification Scheme 2023. Collection method: clinical testing. Allele origin: germline.

Labcorp Genetics (formerly Invitae), Labcorp
Classification: Uncertain significance for Immunodeficiency-centromeric instability-facial anomalies syndrome 2. Last evaluated: 2022-08-19. Review status: criteria provided, single submitter. Criteria: Invitae Variant Classification Sherloc (09022015). Collection method: clinical testing. Allele origin: germline.
Comment: This sequence change replaces glycine, which is neutral and non-polar, with aspartic acid, which is acidic and polar, at codon 693 of the ZBTB24 protein (p.Gly693Asp). This variant is present in population databases (rs146770659, gnomAD 0.03%). This variant has not been reported in the literature in individuals affected with ZBTB24-related conditions. ClinVar contains an entry for this variant (Variation ID: 839315). Algorithms developed to predict the effect of missense changes on protein structure and function are either unavailable or do not agree on the potential impact of this missense change (SIFT: "Not Available"; PolyPhen-2: "Probably Damaging"; Align-GVGD: "Not Available"). In summary, the available evidence is currently insufficient to determine the role of this variant in disease. Therefore, it has been classified as a Variant of Uncertain Significance.

NM_014797.3(ZBTB24):c.2078G>A (p.Gly693Asp)

Genes: MICAL1 (microtubule associated monooxygenase, calponin and LIM domain containing 1; minus strand), ZBTB24 (zinc finger and BTB domain containing 24; minus strand). Cytogenetic location: 6q21.
Variant type: single nucleotide variant.
Coding change: c.2078G>A on transcript NM_014797.3 (MANE Select); coding-DNA position 2078, G replaced by A.
Protein change: p.Gly693Asp; replaces glycine 693 with aspartic acid.
Molecular consequence: missense variant. On other transcripts: 5 prime UTR variant (1).
Genome position (GRCh38, 1-based): chr6:109,465,867, C>T on the plus strand (G>A on the coding strand, the complement: ZBTB24 is on the minus strand). VCF-style: chr6-109465867-C-T. GRCh37 (hg19) VCF-style: chr6-109787070-C-T.
Other names: c.-190G>A (NM_001286613.2); short protein forms G693D.
Identifiers: ClinVar variation 839315 (VCV000839315.9), dbSNP rs146770659, ClinGen allele CA3953955.